The following is an entry in ClinVar:

NM_001297.5(CNGB1):c.1355A>G (p.Glu452Gly)

Gene: CNGB1 (cyclic nucleotide gated channel subunit beta 1; minus strand). Cytogenetic location: 16q21.
Variant type: single nucleotide variant.
Coding change: c.1355A>G on transcript NM_001297.5 (MANE Select); coding-DNA position 1355, A replaced by G.
Protein change: p.Glu452Gly; replaces glutamic acid 452 with glycine.
Molecular consequence: missense variant.
Genome position (GRCh38, 1-based): chr16:57,939,447, T>C on the plus strand (A>G on the coding strand, the complement: CNGB1 is on the minus strand). VCF-style: chr16-57939447-T-C. GRCh37 (hg19) VCF-style: chr16-57973351-T-C.
Other names: c.1337A>G, p.Glu446Gly (NM_001286130.2); short protein forms E446G, E452G.
Identifiers: ClinVar variation 1438111 (VCV001438111.5), dbSNP rs755722603, ClinGen allele CA8083469.

ClinVar aggregate classification (germline): Uncertain significance (1 of 4 stars; one submission).

Allele frequency attached by ClinVar (database versions not stated): gnomAD 0.00001; gnomAD exomes 0.00001; TOPMed 0.00001; ExAC 0.00002.
gnomAD v4.1: 8 of 1,614,012 alleles (0.0005%); highest among the groups gnomAD compares: Admixed American, 0.013%; no homozygotes.

Submission:

Labcorp Genetics (formerly Invitae), Labcorp
Classification: Uncertain significance. Last evaluated: 2025-04-16. Review status: criteria provided, single submitter. Criteria: Invitae Variant Classification Sherloc (09022015). Collection method: clinical testing. Allele origin: germline.
Comment: This sequence change replaces glutamic acid, which is acidic and polar, with glycine, which is neutral and non-polar, at codon 452 of the CNGB1 protein (p.Glu452Gly). This variant is present in population databases (rs755722603, gnomAD 0.009%). This variant has not been reported in the literature in individuals affected with CNGB1-related conditions. ClinVar contains an entry for this variant (Variation ID: 1438111). Invitae Evidence Modeling of protein sequence and biophysical properties (such as structural, functional, and spatial information, amino acid conservation, physicochemical variation, residue mobility, and thermodynamic stability) indicates that this missense variant is not expected to disrupt CNGB1 protein function with a negative predictive value of 95%. In summary, the available evidence is currently insufficient to determine the role of this variant in disease. Therefore, it has been classified as a Variant of Uncertain Significance.